The following is an entry in ClinVar:

NM_033004.4(NLRP1):c.2666T>G (p.Leu889Arg)

Gene: NLRP1 (NLR family pyrin domain containing 1; minus strand). Cytogenetic location: 17p13.2.
Variant type: single nucleotide variant.
Coding change: c.2666T>G on transcript NM_033004.4 (MANE Select); coding-DNA position 2666, T replaced by G.
Protein change: p.Leu889Arg; replaces leucine 889 with arginine.
Molecular consequence: missense variant.
Genome position (GRCh38, 1-based): chr17:5,541,890, A>C on the plus strand (T>G on the coding strand, the complement: NLRP1 is on the minus strand). VCF-style: chr17-5541890-A-C. GRCh37 (hg19) VCF-style: chr17-5445210-A-C.
Other names: c.2666T>G, p.Leu889Arg (NM_014922.5, NM_033006.4, NM_033007.4 and 1 more transcripts); short protein forms L889R.
Identifiers: ClinVar variation 2832706 (VCV002832706.3), dbSNP rs373301396, ClinGen allele CA397378797.
Genomic context (GRCh38, chr17:5,541,890, plus strand): 5'-CTCCCCCTGCCCACCAAGAACAATTACTGCAGTCGCTGTAGCTTGCAGCTCGGCTGTCTC[A>C]GTCTCTGGCAAAGGTGTTTGGCTCCAGCATCCGTGAGCACATTGAAGCTCAGGTCCAGCT-3'
Protein context (NP_127497.1, residues 879-899): DAGAKHLCQR[Leu889Arg]RQPSCKLQRL

ClinVar aggregate classification (germline): Uncertain significance (1 of 4 stars; one submission).

Submission:

Labcorp Genetics (formerly Invitae), Labcorp
Classification: Uncertain significance. Last evaluated: 2023-01-28. Review status: criteria provided, single submitter. Criteria: Invitae Variant Classification Sherloc (09022015). Collection method: clinical testing. Allele origin: germline.
Comment: This sequence change replaces leucine, which is neutral and non-polar, with arginine, which is basic and polar, at codon 889 of the NLRP1 protein (p.Leu889Arg). This variant is not present in population databases (gnomAD no frequency). This variant has not been reported in the literature in individuals affected with NLRP1-related conditions. Algorithms developed to predict the effect of missense changes on protein structure and function are either unavailable or do not agree on the potential impact of this missense change (SIFT: "Deleterious"; PolyPhen-2: "Probably Damaging"; Align-GVGD: "Class C0"). In summary, the available evidence is currently insufficient to determine the role of this variant in disease. Therefore, it has been classified as a Variant of Uncertain Significance.